The following is an entry in ClinVar:

NM_014889.4(PITRM1):c.589G>A (p.Val197Ile)

Gene: PITRM1 (pitrilysin metallopeptidase 1; minus strand). Cytogenetic location: 10p15.2.
Variant type: single nucleotide variant.
Coding change: c.589G>A on transcript NM_014889.4 (MANE Select); coding-DNA position 589, G replaced by A.
Protein change: p.Val197Ile; replaces valine 197 with isoleucine.
Molecular consequence: missense variant. On other transcripts: non-coding transcript variant (4), 5 prime UTR variant (3).
Genome position (GRCh38, 1-based): chr10:3,165,279, C>T on the plus strand (G>A on the coding strand, the complement: PITRM1 is on the minus strand). VCF-style: chr10-3165279-C-T. GRCh37 (hg19) VCF-style: chr10-3207471-C-T.
Other names: c.565G>A, p.Val189Ile (NM_001347730.1, NM_001347729.1); c.589G>A, p.Val197Ile (NM_001242307.2, NM_001347725.2); c.493G>A, p.Val165Ile (NM_001242309.1); c.-27G>A (NM_001347726.2, NM_001347727.2); c.-712G>A (NM_001347728.2); short protein forms V165I, V189I, V197I.
Identifiers: ClinVar variation 4763619 (VCV004763619.1).
Genomic context (GRCh38, chr10:3,165,279, plus strand): 5'-AAAAAGGAAGAAAACTTACAAACGCTCCCTTCATCTCATTAAAGACGACTCCTTTAAAGA[C>T]CAAGGGCGTCTGGGGGTCGCTCGGATTCTCATGTTCCAGCCGCCATCCTTCCTGCCTGAG-3'
Protein context (NP_055704.2, residues 187-207): ENPSDPQTPL[Val197Ile]FKGVVFNEMK

ClinVar aggregate classification (germline): Uncertain significance (1 of 4 stars; one submission).

gnomAD v4.1: 4 of 1,585,068 alleles (0.00025%); highest among the groups gnomAD compares: Non-Finnish European, 0.00034%; no homozygotes.

Submission:

Labcorp Genetics (formerly Invitae), Labcorp
Classification: Uncertain significance. Last evaluated: 2025-02-27. Review status: criteria provided, single submitter. Criteria: Invitae Variant Classification Sherloc (09022015). Collection method: clinical testing. Allele origin: germline.
Comment: This sequence change replaces valine, which is neutral and non-polar, with isoleucine, which is neutral and non-polar, at codon 165 of the PITRM1 protein (p.Val165Ile). This variant is not present in population databases (gnomAD no frequency). This variant has not been reported in the literature in individuals affected with PITRM1-related conditions. An algorithm developed to predict the effect of missense changes on protein structure and function outputs the following: PolyPhen-2: "Benign". The isoleucine amino acid residue is found in multiple mammalian species, which suggests that this missense change does not adversely affect protein function. In summary, the available evidence is currently insufficient to determine the role of this variant in disease. Therefore, it has been classified as a Variant of Uncertain Significance.